The following is an entry in ClinVar:

ClinVar aggregate classification (germline): Benign. Review status: criteria provided, multiple submitters, no conflicts (2 of 4 stars). 10 submissions from 9 submitters: Benign (8). 2 of the submissions do not count toward it. Last evaluated 2026-02-04.

Conditions:
Type 2 collagenopathy. Identifiers: Orphanet 93421, MedGen C2931073, MONDO:0022800.
Stickler syndrome type 1 (STL1). Also called: COL2A1-Related Stickler Syndrome; ARTHROOPHTHALMOPATHY, HEREDITARY PROGRESSIVE; STICKLER SYNDROME, MEMBRANOUS VITREOUS TYPE; STICKLER SYNDROME, VITREOUS TYPE 1. Identifiers: Orphanet 828, Orphanet 90653, MedGen C2020284, MONDO:0007160, OMIM 108300.

Allele frequency attached by ClinVar (database versions not stated): gnomAD exomes 0.00058 and 0.00166; ExAC 0.00204; 1000 Genomes Project 0.00659; gnomAD 0.00666 and 0.00720; TOPMed 0.00728; 1000 Genomes Project 30x 0.00750; ESP Exome Variant Server 0.00761.

Submissions (10):

Labcorp Genetics (formerly Invitae), Labcorp
Classification: Benign. Last evaluated: 2026-02-04. Review status: criteria provided, single submitter. Criteria: Invitae Variant Classification Sherloc (09022015). Collection method: clinical testing. Allele origin: germline.

Blueprint Genetics
Classification: Benign. Last evaluated: 2024-10-21. Review status: criteria provided, single submitter. Criteria: ACMG Guidelines, 2015. Collection method: clinical testing. Allele origin: germline.

ARUP Laboratories, Molecular Genetics and Genomics, ARUP Laboratories
Classification: Benign. Last evaluated: 2024-08-13. Review status: criteria provided, single submitter. Criteria: ARUP Molecular Germline Variant Investigation Process 2024. Collection method: clinical testing. Allele origin: germline.

GeneDx
Classification: Benign. Last evaluated: 2018-04-20. Review status: criteria provided, single submitter. Criteria: GeneDx Variant Classification Process June 2021. Collection method: clinical testing. Allele origin: germline. Affected: yes.

Illumina Laboratory Services, Illumina
Classification: Benign for Type II Collagenopathies. Last evaluated: 2018-01-12. Review status: criteria provided, single submitter. Criteria: ICSL Variant Classification Criteria 13 December 2019. Collection method: clinical testing. Allele origin: germline.
Comment: This variant was observed in the ICSL laboratory as part of a predisposition screen in an ostensibly healthy population. It had not been previously curated by ICSL or reported in the Human Gene Mutation Database (HGMD: prior to June 1st, 2018), and was therefore a candidate for classification through an automated scoring system. Utilizing variant allele frequency, disease prevalence and penetrance estimates, and inheritance mode, an automated score was calculated to assess if this variant is too frequent to cause the disease. Based on the score and internal cut-off values, a variant classified as benign is not then subjected to further curation. The score for this variant resulted in a classification of benign for this disease.

Illumina Laboratory Services, Illumina
Classification: Benign for Stickler syndrome type 1. Last evaluated: 2018-01-12. Review status: criteria provided, single submitter. Criteria: ICSL Variant Classification Criteria 13 December 2019. Collection method: clinical testing. Allele origin: germline.
Comment: the same text as in the submission from Illumina Laboratory Services, Illumina above.

Eurofins Ntd Llc (ga)
Classification: Benign. Last evaluated: 2015-09-23. Review status: criteria provided, single submitter. Criteria: EGL Classification Definitions 2015. Collection method: clinical testing. Allele origin: germline. Observed: 1 variant allele, 1 heterozygote.

Breakthrough Genomics
Classification: Benign. Review status: criteria provided, single submitter. Criteria: ACMG Guidelines, 2015. Collection method: not provided. Allele origin: germline. Inheritance: Autosomal dominant inheritance. Affected: yes.

Clinical Genetics, Academic Medical Center
Classification: Benign. Review status: no assertion criteria provided. Collection method: clinical testing. Allele origin: germline. Affected: yes. Study: VKGL Data-share Consensus. Not counted in ClinVar's aggregate classification.

Laboratory of Diagnostic Genome Analysis, Leiden University Medical Center (LUMC)
Classification: Likely benign. Review status: no assertion criteria provided. Collection method: clinical testing. Allele origin: germline. Affected: yes. Study: VKGL Data-share Consensus. Not counted in ClinVar's aggregate classification.

NM_001844.5(COL2A1):c.708+8C>T

Gene: COL2A1 (collagen type II alpha 1 chain; minus strand). Cytogenetic location: 12q13.11.
Variant type: single nucleotide variant.
Coding change: c.708+8C>T on transcript NM_001844.5 (MANE Select); 8 bases into the intron after coding-DNA position 708, C replaced by T.
Molecular consequence: intron variant.
Genome position (GRCh38, 1-based): chr12:47,995,702, G>A on the plus strand (C>T on the coding strand, the complement: COL2A1 is on the minus strand). VCF-style: chr12-47995702-G-A. GRCh37 (hg19) VCF-style: chr12-48389485-G-A.
Other names: c.501+8C>T (NM_033150.3).
Identifiers: ClinVar variation 283567 (VCV000283567.31), dbSNP rs41317893, ClinGen allele CA6535838.